The following is an entry in ClinVar:

NM_001379291.1(BRD4):c.3460C>T (p.Pro1154Ser)

Gene: BRD4 (bromodomain containing 4; minus strand). Cytogenetic location: 19p13.12.
Variant type: single nucleotide variant.
Coding change: c.3460C>T on transcript NM_001379291.1 (MANE Select); coding-DNA position 3460, C replaced by T.
Protein change: p.Pro1154Ser; replaces proline 1154 with serine.
Molecular consequence: missense variant.
Genome position (GRCh38, 1-based): chr19:15,239,508, G>A on the plus strand (C>T on the coding strand, the complement: BRD4 is on the minus strand). VCF-style: chr19-15239508-G-A. GRCh37 (hg19) VCF-style: chr19-15350319-G-A.
Other names: c.3460C>T, p.Pro1154Ser (NM_058243.3); short protein forms P1154S.
Identifiers: ClinVar variation 3621698 (VCV003621698.2).

ClinVar aggregate classification (germline): Uncertain significance (1 of 4 stars; one submission).

Submission:

Labcorp Genetics (formerly Invitae), Labcorp
Classification: Uncertain significance. Last evaluated: 2025-08-29. Review status: criteria provided, single submitter. Criteria: Invitae Variant Classification Sherloc (09022015). Collection method: clinical testing. Allele origin: germline.
Comment: This sequence change replaces proline, which is neutral and non-polar, with serine, which is neutral and polar, at codon 1154 of the BRD4 protein (p.Pro1154Ser). This variant is present in population databases (rs373710802, gnomAD 0.02%). This variant has not been reported in the literature in individuals affected with BRD4-related conditions. ClinVar contains an entry for this variant (Variation ID: 3621698). An algorithm developed to predict the effect of missense changes on protein structure and function (PolyPhen-2) suggests that this variant is likely to be tolerated. In summary, the available evidence is currently insufficient to determine the role of this variant in disease. Therefore, it has been classified as a Variant of Uncertain Significance.